The following is an entry in ClinVar:

ClinVar aggregate classification (germline): Likely pathogenic (1 of 4 stars; one submission).

Conditions:
Capillary malformation-arteriovenous malformation syndrome. Also called: Capillary malformation-arteriovenous malformation. Identifiers: Orphanet 137667, MedGen C1842180, MONDO:0012016.

Submission:

Rady Children's Institute for Genomic Medicine, Rady Children's Hospital San Diego
Classification: Likely pathogenic for CAPILLARY MALFORMATION-ARTERIOVENOUS MALFORMATION. Last evaluated: 2024-01-18. Review status: criteria provided, single submitter. Criteria: ACMG Guidelines, 2015. Collection method: clinical testing. Allele origin: germline. Affected: yes.
Comment: This variant affects the canonical splice donor site of intron 8 and is therefore predicted to interfere with splicing and result in loss of normal protein function through either protein truncation or nonsense-mediated mRNA decay. Loss of function variation in RASA1 is an established mechanism of disease (PMID: 29891884). This variant has not been previously reported or functionally characterized in the literature to our knowledge. The c.1253+2T>G variant is absent from the gnomAD population database and thus is presumed to be rare. Based on the available evidence, c.1253+2T>G is classified as Likely Pathogenic.

NM_002890.3(RASA1):c.1253+2T>G

Genes: CCNH (cyclin H; minus strand), RASA1 (RAS p21 protein activator 1; plus strand). Cytogenetic location: 5q14.3.
Variant type: single nucleotide variant.
Coding change: c.1253+2T>G on transcript NM_002890.3 (MANE Select); the canonical splice donor site of the intron after coding-DNA position 1253, T replaced by G.
Molecular consequence: splice donor variant. On other transcripts: intron variant (1).
Genome position (GRCh38, 1-based): chr5:87,349,366, T>G. VCF-style: chr5-87349366-T-G. GRCh37 (hg19) VCF-style: chr5-86645183-T-G.
Other names: c.722+2T>G (NM_022650.3); c.934-36571A>C (NM_001364075.2).
Identifiers: ClinVar variation 3773866 (VCV003773866.1).